The following is an entry in ClinVar:

NM_000051.4(ATM):c.3202T>G (p.Phe1068Val)

Gene: ATM (ATM serine/threonine kinase; plus strand). Cytogenetic location: 11q22.3.
Variant type: single nucleotide variant.
Coding change: c.3202T>G on transcript NM_000051.4 (MANE Select); coding-DNA position 3202, T replaced by G.
Protein change: p.Phe1068Val; replaces phenylalanine 1068 with valine.
Molecular consequence: missense variant.
Genome position (GRCh38, 1-based): chr11:108,272,770, T>G. VCF-style: chr11-108272770-T-G. GRCh37 (hg19) VCF-style: chr11-108143497-T-G.
Other names: c.3202T>G, p.Phe1068Val (NM_001351834.2); short protein forms F1068V.
Identifiers: ClinVar variation 1728842 (VCV001728842.5), dbSNP rs1255200743, ClinGen allele CA382515762.

ClinVar aggregate classification (germline): Uncertain significance. Review status: criteria provided, multiple submitters, no conflicts (2 of 4 stars). 2 submissions from 2 submitters: Uncertain significance (2). Last evaluated 2023-04-11.

Conditions:
Hereditary cancer-predisposing syndrome. Also called: Neoplastic Syndromes, Hereditary; Tumor predisposition; Hereditary Cancer Syndrome; Hereditary neoplastic syndrome. Identifiers: Orphanet 140162, MedGen C0027672, MeSH D009386, MONDO:0015356.
Ataxia-telangiectasia syndrome (AT). Also called: LOUIS-BAR SYNDROME; Cerebello-oculocutaneous telangiectasia; Immunodeficiency with ataxia telangiectasia; Ataxia-telangiectasia, complementation group D; AT, COMPLEMENTATION GROUP C; ATAXIA-TELANGIECTASIA, COMPLEMENTATION GROUP A. Identifiers: Orphanet 100, MedGen C0004135, MONDO:0008840, OMIM 208900.

Submissions (2):

Labcorp Genetics (formerly Invitae), Labcorp
Classification: Uncertain significance for Ataxia-telangiectasia syndrome. Last evaluated: 2023-04-11. Review status: criteria provided, single submitter. Criteria: Invitae Variant Classification Sherloc (09022015). Collection method: clinical testing. Allele origin: germline.
Comment: In summary, the available evidence is currently insufficient to determine the role of this variant in disease. Therefore, it has been classified as a Variant of Uncertain Significance. An algorithm developed to predict the effect of missense changes on protein structure and function (PolyPhen-2) suggests that this variant is likely to be tolerated. ClinVar contains an entry for this variant (Variation ID: 1728842). This variant has not been reported in the literature in individuals affected with ATM-related conditions. This variant is not present in population databases (gnomAD no frequency). This sequence change replaces phenylalanine, which is neutral and non-polar, with valine, which is neutral and non-polar, at codon 1068 of the ATM protein (p.Phe1068Val).

Ambry Genetics
Classification: Uncertain significance for Hereditary cancer-predisposing syndrome. Last evaluated: 2022-04-01. Review status: criteria provided, single submitter. Criteria: Ambry Variant Classification Scheme 2023. Collection method: clinical testing. Allele origin: germline.
Comment: The p.F1068V variant (also known as c.3202T>G), located in coding exon 21 of the ATM gene, results from a T to G substitution at nucleotide position 3202. The phenylalanine at codon 1068 is replaced by valine, an amino acid with highly similar properties. This amino acid position is conserved. In addition, this alteration is predicted to be tolerated by in silico analysis. Since supporting evidence is limited at this time, the clinical significance of this alteration remains unclear.